The following is an entry in ClinVar:

NM_003477.3(PDHX):c.583C>T (p.His195Tyr)

Gene: PDHX (pyruvate dehydrogenase complex component X; plus strand). Cytogenetic location: 11p13.
Variant type: single nucleotide variant.
Coding change: c.583C>T on transcript NM_003477.3 (MANE Select); coding-DNA position 583, C replaced by T.
Protein change: p.His195Tyr; replaces histidine 195 with tyrosine.
Molecular consequence: missense variant. On other transcripts: intron variant (1).
Genome position (GRCh38, 1-based): chr11:34,960,460, C>T. VCF-style: chr11-34960460-C-T. GRCh37 (hg19) VCF-style: chr11-34982007-C-T.
Other names: c.403C>T, p.His135Tyr (NM_001135024.2); c.342+12854C>T (NM_001166158.2); c.583C>T (NM_003477.2); short protein forms H135Y, H195Y.
Identifiers: ClinVar variation 1427564 (VCV001427564.7), dbSNP rs746837316, ClinGen allele CA5945926.
Genomic context (GRCh38, chr11:34,960,460, plus strand): 5'-CCTTCATATTTTTTTCTTAGGTTCCGTTTAAGTCCAGCTGCCCGCAATATTCTGGAAAAA[C>T]ACTCACTGGATGCTAGCCAGGGCACAGCCACTGGCCCTCGGGGGATATTCACTAAAGAGT-3'
Protein context (NP_003468.2, residues 185-205): SPAARNILEK[His195Tyr]SLDASQGTAT

ClinVar aggregate classification (germline): Uncertain significance. Review status: criteria provided, multiple submitters, no conflicts (2 of 4 stars). 2 submissions from 2 submitters: Uncertain significance (2). Last evaluated 2025-07-07.

Allele frequency attached by ClinVar (database versions not stated): TOPMed 0.00007; gnomAD exomes 0.00004 and 0.00019; ExAC 0.00019; gnomAD 0.00001.
gnomAD v4.1: 52 of 1,613,268 alleles (0.0032%); highest among the groups gnomAD compares: Admixed American, 0.085%; no homozygotes.

Submissions (2):

GeneDx
Classification: Uncertain significance. Last evaluated: 2025-07-07. Review status: criteria provided, single submitter. Criteria: GeneDx Variant Classification Process June 2021. Collection method: clinical testing. Allele origin: germline. Affected: yes.
Comment: In silico analysis suggests that this missense variant does not alter protein structure/function; Has not been previously published as pathogenic or benign to our knowledge

Labcorp Genetics (formerly Invitae), Labcorp
Classification: Uncertain significance. Last evaluated: 2024-10-23. Review status: criteria provided, single submitter. Criteria: Invitae Variant Classification Sherloc (09022015). Collection method: clinical testing. Allele origin: germline.
Comment: This sequence change replaces histidine, which is basic and polar, with tyrosine, which is neutral and polar, at codon 195 of the PDHX protein (p.His195Tyr). This variant is present in population databases (rs746837316, gnomAD 0.1%). This variant has not been reported in the literature in individuals affected with PDHX-related conditions. ClinVar contains an entry for this variant (Variation ID: 1427564). Invitae Evidence Modeling of protein sequence and biophysical properties (such as structural, functional, and spatial information, amino acid conservation, physicochemical variation, residue mobility, and thermodynamic stability) indicates that this missense variant is not expected to disrupt PDHX protein function with a negative predictive value of 80%. In summary, the available evidence is currently insufficient to determine the role of this variant in disease. Therefore, it has been classified as a Variant of Uncertain Significance.